The following is an entry in ClinVar:

ClinVar aggregate classification (germline): Conflicting classifications of pathogenicity. Review status: criteria provided, conflicting classifications (1 of 4 stars). 3 submissions from 3 submitters: Likely pathogenic (1); Uncertain significance (1). 1 of the submissions does not count toward it. Last evaluated 2023-02-06.

Conditions:
PRNP-related disorder. Also called: PRNP-related disorders; PRNP-related condition.
Gerstmann-Straussler-Scheinker syndrome (GSD). Also called: Spongiform encephalopathy; Cerebellar ataxia, progressive dementia, and amyloid deposits in the central nervous system; Encephalopathy subacute spongiform Gerstmann-Straussler type; CEREBELLAR ATAXIA, PROGRESSIVE DEMENTIA, AND AMYLOID DEPOSITS IN CNS; Spinocerebellar ataxia and plaque-like deposits; Gerstmann-Sträussler-Scheinker Syndrome (GSS). Identifiers: Orphanet 356, MedGen C0017495, MONDO:0007656, OMIM 137440.

Allele frequency attached by ClinVar (database versions not stated): gnomAD exomes below 0.00001.

Submissions (3):

GeneDx
Classification: Uncertain significance. Last evaluated: 2023-02-06. Review status: criteria provided, single submitter. Criteria: GeneDx Variant Classification Process June 2021. Collection method: clinical testing. Allele origin: germline. Affected: yes.
Comment: Observed in patients with prion disease in published literature (Tunnell et al., 2008; Corbie et al., 2022); Published functional studies were inconclusive regarding glycosylation and membrane trafficking (Tunnell et al., 2008); Not observed at significant frequency in large population cohorts (gnomAD); In silico analysis supports that this missense variant does not alter protein structure/function; This variant is associated with the following publications: (PMID: 23467330, 20875062, 24851016, 20938044, 20216075, 31340582, 30877692, 28778873, 18955686, 35754056, 30109268, 26645475, 32560489)

Blueprint Genetics
Classification: Likely pathogenic for PRNP-related disorders. Last evaluated: 2021-11-23. Review status: criteria provided, single submitter. Criteria: ACMG Guidelines, 2015. Collection method: clinical testing. Allele origin: germline. Affected: yes. Observed: 1 variant allele.

OMIM
Classification: Pathogenic for GERSTMANN-STRAUSSLER DISEASE. Last evaluated: 2008-10-28. Review status: no assertion criteria provided. Collection method: literature only. Allele origin: germline. Not counted in ClinVar's aggregate classification.

Literature cited by the submitters: PubMed 18955686 (cited by OMIM).

NM_000311.5(PRNP):c.313C>T (p.Pro105Ser)

Gene: PRNP (prion protein (Kanno blood group); plus strand). Cytogenetic location: 20p13.
Variant type: single nucleotide variant.
Coding change: c.313C>T on transcript NM_000311.5 (MANE Select); coding-DNA position 313, C replaced by T.
Protein change: p.Pro105Ser; replaces proline 105 with serine.
Molecular consequence: missense variant. On other transcripts: 3 prime UTR variant (1).
Genome position (GRCh38, 1-based): chr20:4,699,533, C>T. VCF-style: chr20-4699533-C-T. GRCh37 (hg19) VCF-style: chr20-4680179-C-T.
Other names: c.313C>T, p.Pro105Ser (NM_001080121.3, NM_001080122.3, NM_001080123.3 and 1 more transcripts); c.*2C>T (NM_001271561.3); short protein forms P105S.
Identifiers: ClinVar variation 13415 (VCV000013415.3), dbSNP rs74315414, ClinGen allele CA256788.